The following is an entry in ClinVar:

NM_006030.4(CACNA2D2):c.247G>A (p.Gly83Ser)

Gene: CACNA2D2 (calcium voltage-gated channel auxiliary subunit alpha2delta 2; minus strand). Cytogenetic location: 3p21.31.
Variant type: single nucleotide variant.
Coding change: c.247G>A on transcript NM_006030.4 (MANE Select); coding-DNA position 247, G replaced by A.
Protein change: p.Gly83Ser; replaces glycine 83 with serine.
Molecular consequence: missense variant.
Genome position (GRCh38, 1-based): chr3:50,476,159, C>T on the plus strand (G>A on the coding strand, the complement: CACNA2D2 is on the minus strand). VCF-style: chr3-50476159-C-T. GRCh37 (hg19) VCF-style: chr3-50513590-C-T.
Other names: c.247G>A, p.Gly83Ser (NM_001005505.3, NM_001174051.3); c.40G>A, p.Gly14Ser (NM_001291101.1); short protein forms G83S, G14S.
Identifiers: ClinVar variation 461314 (VCV000461314.6), dbSNP rs775944051, ClinGen allele CA2419285.

ClinVar aggregate classification (germline): Uncertain significance (1 of 4 stars; one submission).

Conditions:
Developmental and epileptic encephalopathy. Identifiers: MedGen C5779964, MONDO:0100620.

Allele frequency attached by ClinVar (database versions not stated): TOPMed 0.00002; ExAC 0.00006.
gnomAD v4.1: 18 of 1,602,050 alleles (0.0011%); highest among the groups gnomAD compares: South Asian, 0.0045%; 1 homozygote.

Submission:

Labcorp Genetics (formerly Invitae), Labcorp
Classification: Uncertain significance for Early-infantile DEE. Last evaluated: 2022-07-08. Review status: criteria provided, single submitter. Criteria: Invitae Variant Classification Sherloc (09022015). Collection method: clinical testing. Allele origin: germline.
Comment: This sequence change replaces glycine, which is neutral and non-polar, with serine, which is neutral and polar, at codon 83 of the CACNA2D2 protein (p.Gly83Ser). The frequency data for this variant in the population databases is considered unreliable, as metrics indicate poor data quality at this position in the gnomAD database. This variant has not been reported in the literature in individuals affected with CACNA2D2-related conditions. ClinVar contains an entry for this variant (Variation ID: 461314). Algorithms developed to predict the effect of missense changes on protein structure and function are either unavailable or do not agree on the potential impact of this missense change (SIFT: "Deleterious"; PolyPhen-2: "Benign"; Align-GVGD: "Class C0"). In summary, the available evidence is currently insufficient to determine the role of this variant in disease. Therefore, it has been classified as a Variant of Uncertain Significance.